The following is an entry in ClinVar:

NM_181552.4(CUX1):c.4225ACCGCC[3] (p.Ala1412_Ala1413insThrAla)

Gene: CUX1 (cut like homeobox 1; plus strand). Cytogenetic location: 7q22.1.
Variant type: Microsatellite.
Coding change: c.4225ACCGCC[3] on transcript NM_181552.4 (MANE Select); three copies in a row of the 6-base unit ACCGCC starting at c.4225; the reference has two copies in a row; one copy, 6 bases duplicated.
Protein change: p.Ala1412_Ala1413insThrAla.
Molecular consequence: intron variant (on NM_001913.5).
Genome position (GRCh38, 1-based): chr7:102,248,755-102,248,760, ACCGCC duplicated; duplicating any 6 consecutive bases within chr7:102,248,749-102,248,760 gives the same sequence; the position shown is the placement nearest the transcript's 3' end. VCF-style (leftmost placement, unchanged base first): chr7-102248748-G-GACCGCC. GRCh37 (hg19) VCF-style: chr7-101892028-G-GACCGCC.
Other names: c.4258ACCGCC[3], p.Ala1423_Ala1424insThrAla (NM_001202543.2); c.1256-24617ACCGCC[3] (NM_001913.5); c.1250-24617ACCGCC[3] (NM_181500.4); c.1118-24617ACCGCC[3] (NM_001202545.3); c.1208-24617ACCGCC[3] (NM_001202544.3); c.1139-24617ACCGCC[3] (NM_001202546.3).
Identifiers: ClinVar variation 3366024 (VCV003366024.2).

ClinVar aggregate classification (germline): Uncertain significance (1 of 4 stars; one submission).

Submission:

GeneDx
Classification: Uncertain significance. Last evaluated: 2025-08-25. Review status: criteria provided, single submitter. Criteria: GeneDx Variant Classification Process June 2021. Collection method: clinical testing. Allele origin: germline.
Comment: Not observed at significant frequency in large population cohorts (gnomAD); In-frame duplication of 2 amino acid(s) in a non-repeat region; Has not been previously published as pathogenic or benign to our knowledge